The following is an entry in ClinVar:

NM_002458.3(MUC5B):c.13842G>T (p.Thr4614=)

Gene: MUC5B (mucin 5B, oligomeric mucus/gel-forming; plus strand). Cytogenetic location: 11p15.5.
Variant type: single nucleotide variant.
Coding change: c.13842G>T on transcript NM_002458.3 (MANE Select); coding-DNA position 13842, G replaced by T.
Protein change: p.Thr4614=; no amino-acid change (threonine 4614 retained).
Molecular consequence: synonymous variant.
Genome position (GRCh38, 1-based): chr11:1,250,722, G>T. VCF-style: chr11-1250722-G-T. GRCh37 (hg19) VCF-style: chr11-1271952-G-T.
Identifiers: ClinVar variation 2641303 (VCV002641303.24), dbSNP rs554194475, ClinGen allele CA5808443.

ClinVar aggregate classification (germline): Likely benign (1 of 4 stars; one submission).

Allele frequency attached by ClinVar (database versions not stated): ExAC 0.00027; 1000 Genomes Project 30x 0.00062; 1000 Genomes Project 0.00240.

Submission:

CeGaT Center for Human Genetics Tuebingen
Classification: Likely benign. Last evaluated: 2026-01-01. Review status: criteria provided, single submitter. Criteria: CeGaT Center For Human Genetics Tuebingen Variant Classification Criteria Version 2. Collection method: clinical testing. Allele origin: germline. Affected: yes. Observed: 6 variant alleles.
Comment: MUC5B: BP4, BP7